The following is an entry in ClinVar:

NM_007294.4(BRCA1):c.5339T>C (p.Leu1780Pro)

Gene: BRCA1 (BRCA1 DNA repair associated; minus strand). Cytogenetic location: 17q21.31.
Variant type: single nucleotide variant.
Coding change: c.5339T>C on transcript NM_007294.4 (MANE Select); coding-DNA position 5339, T replaced by C.
Protein change: p.Leu1780Pro; replaces leucine 1780 with proline.
Molecular consequence: missense variant. On other transcripts: non-coding transcript variant (1), intron variant (1).
Genome position (GRCh38, 1-based): chr17:43,049,188, A>G on the plus strand (T>C on the coding strand, the complement: BRCA1 is on the minus strand). VCF-style: chr17-43049188-A-G. GRCh37 (hg19) VCF-style: chr17-41201205-A-G.
Other names: c.2027T>C, p.Leu676Pro (NM_001407985.1, NM_001407986.1, NM_001407990.1 and 11 more transcripts); c.2024T>C, p.Leu675Pro (NM_001408392.1, NM_001408396.1, NM_001408397.1 and 7 more transcripts); c.1907T>C, p.Leu636Pro (NM_001408427.1, NM_001408428.1, NM_001408429.1 and 4 more transcripts); c.1904T>C, p.Leu635Pro (NM_001408432.1, NM_001408433.1, NM_001408434.1 and 10 more transcripts); c.1901T>C, p.Leu634Pro (NM_001408446.1, NM_001408447.1, NM_001408448.1 and 2 more transcripts); c.1895T>C, p.Leu632Pro (NM_001408451.1); c.1889T>C, p.Leu630Pro (NM_001408452.1, NM_001408453.1, NM_001408454.1 and 3 more transcripts); c.1886T>C, p.Leu629Pro (NM_001408466.1, NM_001408467.1, NM_001408458.1 and 7 more transcripts); and 73 more; short protein forms L1780P, L676P, L1733P, L1801P, L1484P, L1653P, L1667P, L1668P.
Identifiers: ClinVar variation 55541 (VCV000055541.26), dbSNP rs80357474, ClinGen allele CA003508.

ClinVar aggregate classification (germline): Pathogenic/Likely pathogenic. Review status: criteria provided, multiple submitters, no conflicts (2 of 4 stars). 13 submissions from 13 submitters: Pathogenic (9); Likely pathogenic (1). 3 of the submissions do not count toward it. Last evaluated 2025-11-13.

Conditions:
Hereditary cancer-predisposing syndrome. Also called: Hereditary Cancer Syndrome; Hereditary neoplastic syndrome; Neoplastic Syndromes, Hereditary; Tumor predisposition. Identifiers: Orphanet 140162, MedGen C0027672, MeSH D009386, MONDO:0015356.
Fanconi anemia, complementation group S (FANCS). Identifiers: MedGen C4554406, MONDO:0054748, OMIM 617883.
Breast-ovarian cancer, familial, susceptibility to, 1 (BROVCA1). Also called: BRCA1 Hereditary Breast and Ovarian Cancer; OVARIAN CANCER, SUSCEPTIBILITY TO. Identifiers: Orphanet 145, MedGen C2676676, MONDO:0011450, OMIM 604370. Disease mechanism: loss of function.
Hereditary breast ovarian cancer syndrome. Also called: BRCA1- and BRCA2-Associated Hereditary Breast and Ovarian Cancer; Hereditary breast and ovarian cancer syndrome; Hereditary breast and ovarian cancer syndrome (HBOC); Breast and ovarian cancer; Hereditary breast and/or ovarian cancer syndrome; Hereditary breast and ovarian cancer. Identifiers: Orphanet 145, MedGen C0677776, MeSH D061325, MONDO:0003582. Disease mechanism: loss of function.

Allele frequency attached by ClinVar (database versions not stated): gnomAD exomes 0.00001 and below 0.00001.
gnomAD v4.1: 2 of 1,614,064 alleles (0.00012%); highest among the groups gnomAD compares: East Asian, 0.0045%; no homozygotes.

Submissions 1 to 6 of 14:

Labcorp Genetics (formerly Invitae), Labcorp
Classification: Pathogenic for Hereditary breast ovarian cancer syndrome. Last evaluated: 2025-11-13. Review status: criteria provided, single submitter. Criteria: Invitae Variant Classification Sherloc (09022015). Collection method: clinical testing. Allele origin: germline.
Comment: This sequence change replaces leucine, which is neutral and non-polar, with proline, which is neutral and non-polar, at codon 1780 of the BRCA1 protein (p.Leu1780Pro). This variant is present in population databases (rs80357474, gnomAD 0.006%). This missense change has been observed in individual(s) with hereditary breast and ovarian cancer (PMID: 15117986, 17100994, 22217648, 27124784, 27383479, 27488874, 27658390, 28111427, 28288110, 28364669, 29020732, 29770616). It has also been observed to segregate with disease in related individuals. ClinVar contains an entry for this variant (Variation ID: 55541). Invitae Evidence Modeling incorporating data from in vitro experimental studies (PMID: 30209399) indicates that this missense variant is expected to disrupt BRCA1 function with a positive predictive value of 95%. Experimental studies have shown that this missense change affects BRCA1 function (PMID: 10811118, 20378548, 20516115, 30209399). For these reasons, this variant has been classified as Pathogenic.

Color Diagnostics, LLC DBA Color Health
Classification: Pathogenic for Hereditary cancer-predisposing syndrome. Last evaluated: 2025-07-08. Review status: criteria provided, single submitter. Criteria: ACMG Guidelines, 2015. Collection method: clinical testing. Allele origin: germline.
Comment: This missense variant replaces leucine with proline at codon 1780 in the BRCT domain of the BRCA1 protein. Functional studies have reported that this variant impacts BRCA1 function in transcription activation assays, a homology-directed DNA repair assay, sensitivity assays to cisplatin and PARP inhibitor and a haploid cell proliferation assay (PMID: 10811118, 20516115, 26402875, 32546644, 33471991). This variant has been reported in more than 50 individuals affected with breast and/or ovarian cancer (PMID: 15117986, 16949048, 17100994, 19491284, 22217648, 26402875, 27124784, 27383479, 27658390, 28111427, 28364669, 29020732, 29770616, 32019279) and it has been detected in a breast cancer case-control meta-analysis in 9/60466 cases and 2/53461 unaffected individuals (PMID: 33471991Leiden Open Variation Database DB-ID BRCA1_000459). Multifactorial analysis has a combined likelihood ratio (LR) over 350:1 from LRs based on co-occurrence with a pathogenic variant, personal and family history and tumor pathology for more than 20 carriers (PMID: 30415210, 31853058, 34063308). This variant has been identified in 2/251430 chromosomes in the general population by the Genome Aggregation Database (gnomAD). Based on the available evidence, this variant is classified as Pathogenic.

Department of Pathology and Laboratory Medicine, Sinai Health System
Classification: Pathogenic for Fanconi anemia, complementation group S. Last evaluated: 2024-05-09. Review status: criteria provided, single submitter. Criteria: ACMG Guidelines, 2015. Collection method: clinical testing. Allele origin: germline. Affected: yes.

Women's Health and Genetics/Laboratory Corporation of America, LabCorp
Classification: Pathogenic for Hereditary breast ovarian cancer syndrome. Last evaluated: 2024-01-02. Review status: criteria provided, single submitter. Criteria: LabCorp Variant Classification Summary - May 2015. Collection method: clinical testing. Allele origin: germline.
Comment: Variant summary: BRCA1 c.5339T>C (p.Leu1780Pro) results in a non-conservative amino acid change in the encoded protein sequence. Five of five in-silico tools predict a damaging effect of the variant on protein function. The variant allele was found at a frequency of 8e-06 in 251430 control chromosomes. c.5339T>C has been reported in the literature in multiple individuals affected with Hereditary Breast And Ovarian Cancer Syndrome. These data indicate that the variant is very likely to be associated with disease. At least one functional study reports experimental evidence evaluating an impact on protein function and showed damaging effect of this variant on homology directed repair (HDR) activity (e.g. Findlay_2018). HDR assays qualify as a recognized gold standard on the basis of updated guidance provided by the ClinGen Sequence Variant Interpretation (SVI) working group. Six submitters have cited clinical-significance assessments for this variant to ClinVar after 2014. All submitters classified the variant as pathogenic/likely pathogenic. Based on the evidence outlined above, the variant was classified as pathogenic.

Ambry Genetics
Classification: Pathogenic for Hereditary cancer-predisposing syndrome. Last evaluated: 2023-12-12. Review status: criteria provided, single submitter. Criteria: Ambry Variant Classification Scheme 2023. Collection method: clinical testing. Allele origin: germline.
Comment: The p.L1780P variant (also known as c.5339T>C), located in coding exon 20 of the BRCA1 gene, results from a T to C substitution at nucleotide position 5339. The leucine at codon 1780 is replaced by proline, an amino acid with similar properties. This alteration has been detected in many Korean case reports and case-control studies of breast and/or ovarian cancer and is statistically significantly over-represented in the affected populations versus control populations (Choi DH et al. J. Clin. Oncol. 2004 May;22:1638-45; Han SH et al. Clin. Genet. 2006 Dec;70:496-501; Jang JH et al. J. Hum. Genet. 2012 Mar;57:212-5; Yoon KA et al. Cancer Res Treat. 2017 Jul;49:627-634; Eoh KJ et al. Cancer Res Treat. 2018 Jul;50:917-925; Park JS et al. Cancer Res Treat. 2017 Oct;49:1012-1021; Ryu JM et al. Breast. 2017 Jun;33:109-116; Choi MC et al. J Gynecol Oncol. 2018 Jul;29:e43). This variant segregated with disease in two of these studies and is also suggested to be a Korean founder mutation (Ryu JM et al. Breast. 2017 Jun;33:109-116; Park JS et al. Cancer Res Treat. 2017 Oct;49:1012-1021). Analysis of this alteration in yeast, bacterial and mammalian systems show that it is functionally deleterious in terms of cell survival, transcriptional activation, protein binding and protein folding (Findlay GM et al. Nature. 2018 10;562:217-222; Lee MS et al. Cancer Res. 2010 Jun;70:4880-90; Rowling PJ et al. J. Biol. Chem. 2010 Jun;285:20080-7; Hayes F et al. Cancer Res. 2000 May;60:2411-8). Of note, this alteration is also designated as 5458T>C in some published literature. This amino acid position is highly conserved on sequence alignment. In addition, this alteration is predicted to be deleterious by in silico analysis. Based on the supporting evidence, this alteration is interpreted as a disease-causing mutation.

Quest Diagnostics Nichols Institute San Juan Capistrano
Classification: Pathogenic. Last evaluated: 2023-02-02. Review status: criteria provided, single submitter. Criteria: Quest Diagnostics criteria. Collection method: clinical testing. Allele origin: unknown.
Comment: The frequency of this variant in the general population, 0.000008 (2/251430 chromosomes), is consistent with pathogenicity. In the published literature, the variant has been reported as a founder mutation in the Korean population (PMIDs: 28111427 (2017), 28364669 (2017), 30309222 (2019)). It has been found in individuals with breast and/or ovarian cancer (PMIDs: 115117986 (2004), 17100994 (2006), 22217648 (2012), 27124784 (2016), 27488874 (2017), 27658390 (2017), 28364669 (2017), 28111427 (2017), 29020732 (2018), 29240602 (2018), 30309222 (2019), 30350268 (2019), 32019279 (2020), 33471991 (2021), see also LOVD, and 34645131 (2022)). Additionally, the variant has been reported in healthy individuals (PMIDs: 17100994 (2006), 22217648 (2012), and 33471991 (2021), see also LOVD). Functional studies describe the variant as having a strong impact on the BRCA1 gene that results in the loss of protein function (PMIDs: 20516115 (2010), 30209399 (2018), 30415210 (2018), 30765603 (2019), 31907386 (2020), 32803532 (2020), 32546644 (2020), and 33087888 (2021)). Based on the available information, this variant is classified as pathogenic.